The following is an entry in ClinVar:

NM_000718.4(CACNA1B):c.2822A>G (p.Gln941Arg)

Gene: CACNA1B (calcium voltage-gated channel subunit alpha1 B; plus strand). Cytogenetic location: 9q34.3.
Variant type: single nucleotide variant.
Coding change: c.2822A>G on transcript NM_000718.4 (MANE Select); coding-DNA position 2822, A replaced by G.
Protein change: p.Gln941Arg; replaces glutamine 941 with arginine.
Molecular consequence: missense variant.
Genome position (GRCh38, 1-based): chr9:138,023,565, A>G. VCF-style: chr9-138023565-A-G. GRCh37 (hg19) VCF-style: chr9-140918017-A-G.
Other names: c.2822A>G, p.Gln941Arg (NM_001243812.2); short protein forms Q941R.
Identifiers: ClinVar variation 2890062 (VCV002890062.3), dbSNP rs1422203185, ClinGen allele CA375810206.

ClinVar aggregate classification (germline): Uncertain significance (1 of 4 stars; one submission).

Allele frequency attached by ClinVar (database versions not stated): gnomAD exomes below 0.00001; gnomAD 0.00001; TOPMed 0.00002.

Submission:

Labcorp Genetics (formerly Invitae), Labcorp
Classification: Uncertain significance. Last evaluated: 2023-03-14. Review status: criteria provided, single submitter. Criteria: Invitae Variant Classification Sherloc (09022015). Collection method: clinical testing. Allele origin: germline.
Comment: This sequence change replaces glutamine, which is neutral and polar, with arginine, which is basic and polar, at codon 941 of the CACNA1B protein (p.Gln941Arg). This variant is present in population databases (no rsID available, gnomAD 0.007%). This variant has not been reported in the literature in individuals affected with CACNA1B-related conditions. Advanced modeling of protein sequence and biophysical properties (such as structural, functional, and spatial information, amino acid conservation, physicochemical variation, residue mobility, and thermodynamic stability) performed at Invitae indicates that this missense variant is not expected to disrupt CACNA1B protein function. In summary, the available evidence is currently insufficient to determine the role of this variant in disease. Therefore, it has been classified as a Variant of Uncertain Significance.